The following is an entry in ClinVar:

NM_001039876.3(SYNE4):c.250G>A (p.Glu84Lys)

Gene: SYNE4 (spectrin repeat containing nuclear envelope family member 4; minus strand). Cytogenetic location: 19q13.12.
Variant type: single nucleotide variant.
Coding change: c.250G>A on transcript NM_001039876.3 (MANE Select); coding-DNA position 250, G replaced by A.
Protein change: p.Glu84Lys; replaces glutamic acid 84 with lysine.
Molecular consequence: missense variant.
Genome position (GRCh38, 1-based): chr19:36,008,246, C>T on the plus strand (G>A on the coding strand, the complement: SYNE4 is on the minus strand). VCF-style: chr19-36008246-C-T. GRCh37 (hg19) VCF-style: chr19-36499148-C-T.
Other names: c.250G>A, p.Glu84Lys (NM_001297735.3); c.250G>A (NM_001039876.1, NM_001039876.2); short protein forms E84K.
Identifiers: ClinVar variation 1428364 (VCV001428364.5), dbSNP rs199619260, ClinGen allele CA9393987.

ClinVar aggregate classification (germline): Conflicting classifications of pathogenicity. Review status: criteria provided, conflicting classifications (1 of 4 stars). 3 submissions from 3 submitters: Uncertain significance (2); Likely benign (1). Last evaluated 2024-08-29.

Allele frequency attached by ClinVar (database versions not stated): gnomAD 0.00005; TOPMed 0.00005; ExAC 0.00006; gnomAD exomes 0.00006 and 0.00015; 1000 Genomes Project 30x 0.00016; 1000 Genomes Project 0.00020.
gnomAD v4.1: 223 of 1,610,934 alleles (0.014%); highest among the groups gnomAD compares: Non-Finnish European, 0.018%; 1 homozygote.

Submissions (3):

GeneDx
Classification: Uncertain significance. Last evaluated: 2024-08-29. Review status: criteria provided, single submitter. Criteria: GeneDx Variant Classification Process June 2021. Collection method: clinical testing. Allele origin: germline. Affected: yes.
Comment: In silico analysis supports that this missense variant has a deleterious effect on protein structure/function; Has not been previously published as pathogenic or benign to our knowledge

Ambry Genetics
Classification: Likely benign. Last evaluated: 2023-02-22. Review status: criteria provided, single submitter. Criteria: Ambry Variant Classification Scheme 2023. Collection method: clinical testing. Allele origin: germline.

Labcorp Genetics (formerly Invitae), Labcorp
Classification: Uncertain significance. Last evaluated: 2022-05-24. Review status: criteria provided, single submitter. Criteria: Invitae Variant Classification Sherloc (09022015). Collection method: clinical testing. Allele origin: germline.
Comment: This sequence change replaces glutamic acid, which is acidic and polar, with lysine, which is basic and polar, at codon 84 of the SYNE4 protein (p.Glu84Lys). This variant is present in population databases (rs199619260, gnomAD 0.01%). This variant has not been reported in the literature in individuals affected with SYNE4-related conditions. Algorithms developed to predict the effect of missense changes on protein structure and function output the following: SIFT: "Tolerated"; PolyPhen-2: "Benign"; Align-GVGD: "Class C0". The lysine amino acid residue is found in multiple mammalian species, which suggests that this missense change does not adversely affect protein function. In summary, the available evidence is currently insufficient to determine the role of this variant in disease. Therefore, it has been classified as a Variant of Uncertain Significance.